The following is an entry in ClinVar:

ClinVar aggregate classification (germline): Likely pathogenic. Review status: criteria provided, multiple submitters, no conflicts (2 of 4 stars). 2 submissions from 2 submitters: Likely pathogenic (2). Last evaluated 2023-02-02.

Conditions:
Niemann-Pick disease, type C1. Also called: NEUROVISCERAL STORAGE DISEASE WITH VERTICAL SUPRANUCLEAR OPHTHALMOPLEGIA; NIEMANN-PICK DISEASE WITH CHOLESTEROL ESTERIFICATION BLOCK; NIEMANN-PICK DISEASE WITHOUT SPHINGOMYELINASE DEFICIENCY; NIEMANN-PICK DISEASE, CHRONIC NEURONOPATHIC FORM; NIEMANN-PICK DISEASE, VARIANT TYPE C1. Identifiers: Orphanet 646, MedGen C3179455, MONDO:0009757, OMIM 257220.

Submissions (2):

Labcorp Genetics (formerly Invitae), Labcorp
Classification: Likely pathogenic for Niemann-Pick disease, type C1. Last evaluated: 2023-02-02. Review status: criteria provided, single submitter. Criteria: Invitae Variant Classification Sherloc (09022015). Collection method: clinical testing. Allele origin: germline.
Comment: Advanced modeling of protein sequence and biophysical properties (such as structural, functional, and spatial information, amino acid conservation, physicochemical variation, residue mobility, and thermodynamic stability) performed at Invitae indicates that this missense variant is not expected to disrupt NPC1 protein function. This sequence change replaces arginine, which is basic and polar, with serine, which is neutral and polar, at codon 978 of the NPC1 protein (p.Arg978Ser). This variant is not present in population databases (gnomAD no frequency). This variant has not been reported in the literature in individuals affected with NPC1-related conditions. ClinVar contains an entry for this variant (Variation ID: 1519538). Algorithms developed to predict the effect of sequence changes on RNA splicing suggest that this variant may disrupt the consensus splice site. This variant disrupts the p.Arg978 amino acid residue in NPC1. Other variant(s) that disrupt this residue have been determined to be pathogenic (PMID: 11479732, 15459971, 31639011, 32138288). This suggests that this residue is clinically significant, and that variants that disrupt this residue are likely to be disease-causing. In summary, the currently available evidence indicates that the variant is pathogenic, but additional data are needed to prove that conclusively. Therefore, this variant has been classified as Likely Pathogenic.

Victorian Clinical Genetics Services, Murdoch Childrens Research Institute
Classification: Likely pathogenic for Niemann-Pick disease, type C1. Last evaluated: 2022-02-02. Review status: criteria provided, single submitter. Criteria: ACMG Guidelines, 2015. Collection method: clinical testing. Allele origin: germline. Inheritance: Autosomal recessive inheritance. Affected: yes.
Comment: Based on the classification scheme VCGS_Germline_v1.3.4, this variant is classified as Likely pathogenic. Following criteria are met: 0102 - Loss of function is a known mechanism of disease in this gene and is associated with Niemann-Pick disease, type C1 (MIM#257220). (I) 0106 - This gene is associated with autosomal recessive disease. (I) 0115 - Variants in this gene are known to have variable expressivity (PMID: 32138288). (I) 0200 - Variant is predicted to result in a missense amino acid change from arginine to serine. (I) 0251 - This variant is heterozygous. (I) 0301 - Variant is absent from gnomAD (both v2 and v3). (SP) 0309 - An alternative amino acid change at the same position has been observed in gnomAD (v2) (5 heterozygotes, 0 homozygotes). (I) 0502 - Missense variant with conflicting in silico predictions and uninformative conservation. (I) 0600 - Variant is located in the annotated Cysteine-rich luminal loop domain (PMID: 11479732). (I) 0703 - Another missense variant comparable to the one identified in this case has moderate previous evidence for pathogenicity. The p.(Arg978Cys) variant has been reported in a compound heterozygous state in multiple individuals with Niemann–Pick disease type C (PMID: 11479732, PMID: 26984608, PMID: 32138288, PMID: 20718790, ClinVar). (SP) 0807 - This variant has no previous evidence of pathogenicity. (I) 0905 - No published segregation evidence has been identified for this variant. (I) 1007 - No published functional evidence has been identified for this variant. (I) Legend: (SP) - Supporting pathogenic, (I) - Information, (SB) - Supporting benign

Literature cited by the submitters: PubMed 11479732 (cited by Labcorp Genetics (formerly Invitae), Labcorp and Victorian Clinical Genetics Services, Murdoch Childrens Research Institute); PubMed 15459971 (cited by Labcorp Genetics (formerly Invitae), Labcorp); PubMed 31639011 (cited by Labcorp Genetics (formerly Invitae), Labcorp); PubMed 32138288 (cited by Labcorp Genetics (formerly Invitae), Labcorp and Victorian Clinical Genetics Services, Murdoch Childrens Research Institute); PubMed 20718790 (cited by Victorian Clinical Genetics Services, Murdoch Childrens Research Institute); PubMed 26984608 (cited by Victorian Clinical Genetics Services, Murdoch Childrens Research Institute).

NM_000271.5(NPC1):c.2932C>A (p.Arg978Ser)

Gene: NPC1 (NPC intracellular cholesterol transporter 1; minus strand). Cytogenetic location: 18q11.2.
Variant type: single nucleotide variant.
Coding change: c.2932C>A on transcript NM_000271.5 (MANE Select); coding-DNA position 2932, C replaced by A.
Protein change: p.Arg978Ser; replaces arginine 978 with serine.
Molecular consequence: missense variant.
Genome position (GRCh38, 1-based): chr18:23,538,651, G>T on the plus strand (C>A on the coding strand, the complement: NPC1 is on the minus strand). VCF-style: chr18-23538651-G-T. GRCh37 (hg19) VCF-style: chr18-21118615-G-T.
Other names: short protein forms R978S.
Identifiers: ClinVar variation 1519538 (VCV001519538.10), dbSNP rs28942108, ClinGen allele CA401792308.